The following is an entry in ClinVar:

NM_003070.5(SMARCA2):c.143C>G (p.Pro48Arg)

Gene: SMARCA2 (SWI/SNF related BAF chromatin remodeling complex subunit ATPase 2; plus strand). Cytogenetic location: 9p24.3.
Variant type: single nucleotide variant.
Coding change: c.143C>G on transcript NM_003070.5 (MANE Select); coding-DNA position 143, C replaced by G.
Protein change: p.Pro48Arg; replaces proline 48 with arginine.
Molecular consequence: missense variant.
Genome position (GRCh38, 1-based): chr9:2,029,165, C>G. VCF-style: chr9-2029165-C-G. GRCh37 (hg19) VCF-style: chr9-2029165-C-G.
Other names: c.143C>G, p.Pro48Arg (NM_001289396.2, NM_001289397.2, NM_139045.4); short protein forms P48R.
Identifiers: ClinVar variation 1810485 (VCV001810485.1), dbSNP rs1818956557, ClinGen allele CA372779245.

ClinVar aggregate classification (germline): Uncertain significance (1 of 4 stars; one submission).

Allele frequency attached by ClinVar (database versions not stated): TOPMed below 0.00001.

Submission:

GeneDx
Classification: Uncertain significance. Last evaluated: 2022-07-06. Review status: criteria provided, single submitter. Criteria: GeneDx Variant Classification Process June 2021. Collection method: clinical testing. Allele origin: germline. Affected: yes.
Comment: Not observed at significant frequency in large population cohorts (gnomAD); In silico analysis supports that this missense variant has a deleterious effect on protein structure/function; Has not been previously published as pathogenic or benign to our knowledge